The following is an entry in ClinVar:

NM_005172.2(ATOH1):c.481C>G (p.Arg161Gly)

Gene: ATOH1 (atonal bHLH transcription factor 1; plus strand). Cytogenetic location: 4q22.2.
Variant type: single nucleotide variant.
Coding change: c.481C>G on transcript NM_005172.2 (MANE Select); coding-DNA position 481, C replaced by G.
Protein change: p.Arg161Gly; replaces arginine 161 with glycine.
Molecular consequence: missense variant.
Genome position (GRCh38, 1-based): chr4:93,829,407, C>G. VCF-style: chr4-93829407-C-G. GRCh37 (hg19) VCF-style: chr4-94750558-C-G.
Other names: short protein forms R161G.
Identifiers: ClinVar variation 873538 (VCV000873538.8), dbSNP rs1735397735, ClinGen allele CA357727892.

ClinVar aggregate classification (germline): Uncertain significance. Review status: criteria provided, multiple submitters, no conflicts (2 of 4 stars). 3 submissions from 2 submitters: Uncertain significance (3). Last evaluated 2026-06-01.

Conditions:
Global developmental delay (DD). Also called: Cognitive delay. Identifiers: MedGen C0557874, HP:0001263. Disease mechanism: loss of function.
Pontoneocerebellar hypoplasia. Also called: Pontocerebellar hypoplasia; Non-syndromic pontocerebellar hypoplasia. Identifiers: Orphanet 98523, MedGen C1261175, MONDO:0020135.
Hearing loss. Identifiers: MedGen C3887873.

Submissions (3):

CeGaT Center for Human Genetics Tuebingen
Classification: Uncertain significance. Last evaluated: 2026-06-01. Review status: criteria provided, single submitter. Criteria: CeGaT Center For Human Genetics Tuebingen Variant Classification Criteria Version 2. Collection method: clinical testing. Allele origin: germline. Affected: yes. Observed: 1 variant allele.
Comment: ATOH1: PP3

Centre for Mendelian Genomics, University Medical Centre Ljubljana
Classification: Uncertain significance for Pontocerebellar hypoplasia; Global developmental delay; Hearing loss. Last evaluated: 2020-05-02. Review status: criteria provided, single submitter. Criteria: ACMG Guidelines, 2015. Collection method: clinical testing. Allele origin: germline. Inheritance: Autosomal recessive inheritance. Affected: yes.
Comment: The identified variant results in the p.(Arg161Gly) amino acid substitution in the evolutionarily conserved DNA-binding bHLH domain of the ATOH1 protein. Biallelic missense variants in this domain were previously reported to result in disordered cerebellar development and hearing loss in animal models. In silico homology modeling revealed that p.Arg161Gly in ATOH1 protein probably disrupts a salt-bridge with DNA backbone phosphate and increases the flexibility of the bHLH helix - both of which jointly affect the binding capability of bHLH domain to the DNA.

Centre for Mendelian Genomics, University Medical Centre Ljubljana
Classification: Uncertain significance. Last evaluated: 2016-01-01. Review status: criteria provided, single submitter. Criteria: ACMG Guidelines, 2015. Collection method: clinical testing. Allele origin: unknown. Affected: yes.
Comment: This variant was classified as: Uncertain significance. The following ACMG criteria were applied in classifying this variant: PM2,PP3,PP4. This variant was detected in homozygous state.